The following is an entry in ClinVar:

NM_005445.4(SMC3):c.898A>G (p.Lys300Glu)

Gene: SMC3 (structural maintenance of chromosomes 3; plus strand). Cytogenetic location: 10q25.2.
Variant type: single nucleotide variant.
Coding change: c.898A>G on transcript NM_005445.4 (MANE Select); coding-DNA position 898, A replaced by G.
Protein change: p.Lys300Glu; replaces lysine 300 with glutamic acid.
Molecular consequence: missense variant.
Genome position (GRCh38, 1-based): chr10:110,583,477, A>G. VCF-style: chr10-110583477-A-G. GRCh37 (hg19) VCF-style: chr10-112343235-A-G.
Other names: short protein forms K300E.
Identifiers: ClinVar variation 429522 (VCV000429522.2), dbSNP rs1131691432, ClinGen allele CA378379283.

ClinVar aggregate classification (germline): Likely pathogenic (1 of 4 stars; one submission).

Allele frequency attached by ClinVar (database versions not stated): TOPMed below 0.00001 and 0.00001; gnomAD 0.00001.
gnomAD v4.1: 1 of 1,613,926 alleles (0.000062%); highest among the groups gnomAD compares: Non-Finnish European, 0.000085%; no homozygotes.

Submission:

GeneDx
Classification: Likely pathogenic. Last evaluated: 2015-09-01. Review status: criteria provided, single submitter. Criteria: GeneDx Variant Classification (06012015). Collection method: clinical testing. Allele origin: germline. Affected: yes.
Comment: The K300E variant in the SMC3 gene has not been published as a pathogenic variant, nor has it been reported as a benign polymorphism to our knowledge. The K300E variant was not observed in approximately 6500 individuals of European and African American ancestry in the NHLBI Exome Sequencing Project, indicating it is not a common benign variant in these populations. The K300E variant is a non-conservative amino acid substitution, which is likely to impact secondary protein structure as these residues differ in polarity, charge, size and/or other properties. This substitution occurs in the coiled coil region at a position that is conserved across species. In silico analysis is inconsistent in its predictions as to whether or not the variant is damaging to the protein structure/function. The K300E variant is a strong candidate for a disease-causing variant, however the possibility it may be a rare benign variant cannot be excluded.